The following is an entry in ClinVar:

ClinVar aggregate classification (germline): Benign. Review status: criteria provided, multiple submitters, no conflicts (2 of 4 stars). 2 submissions from 2 submitters: Benign (2). Last evaluated 2021-05-11.

Allele frequency attached by ClinVar (database versions not stated): gnomAD 0.51311 and 0.51650; TOPMed 0.52731; 1000 Genomes Project 0.57628; 1000 Genomes Project 30x 0.57808.
gnomAD v4.1: 679,824 of 1,558,976 alleles (44%); highest among the groups gnomAD compares: African/African-American, 73%; 155,202 homozygotes.

Submissions (2):

GeneDx
Classification: Benign. Last evaluated: 2021-05-11. Review status: criteria provided, single submitter. Criteria: GeneDx Variant Classification Process June 2021. Collection method: clinical testing. Allele origin: germline. Affected: yes.
Comment: This variant is associated with the following publications: (PMID: 20100616, 20028935)

Breakthrough Genomics
Classification: Benign. Review status: criteria provided, single submitter. Criteria: ACMG Guidelines, 2015. Collection method: not provided. Allele origin: germline. Inheritance: Autosomal dominant inheritance. Affected: yes.

NM_001957.4(EDNRA):c.*70G>C

Gene: EDNRA (endothelin receptor type A; plus strand). Cytogenetic location: 4q31.23.
Variant type: single nucleotide variant.
Coding change: c.*70G>C on transcript NM_001957.4 (MANE Select); 70 bases downstream of the stop codon, G replaced by C.
Molecular consequence: 3 prime UTR variant. On other transcripts: non-coding transcript variant (3).
Genome position (GRCh38, 1-based): chr4:147,542,688, G>C. VCF-style: chr4-147542688-G-C. GRCh37 (hg19) VCF-style: chr4-148463840-G-C.
Other names: c.*70G>C (NM_001166055.2).
Identifiers: ClinVar variation 1297294 (VCV001297294.3), dbSNP rs5335, ClinGen allele CA11703685.